The following is an entry in ClinVar:

ClinVar aggregate classification (germline): Uncertain significance (1 of 4 stars; one submission).

Conditions:
Brugada syndrome 8 (BRGDA8). Identifiers: Orphanet 130, MedGen C2751083, MONDO:0013148, OMIM 613123.

Submission:

Labcorp Genetics (formerly Invitae), Labcorp
Classification: Uncertain significance for Brugada syndrome 8. Last evaluated: 2022-05-26. Review status: criteria provided, single submitter. Criteria: Invitae Variant Classification Sherloc (09022015). Collection method: clinical testing. Allele origin: germline.
Comment: Advanced modeling of protein sequence and biophysical properties (such as structural, functional, and spatial information, amino acid conservation, physicochemical variation, residue mobility, and thermodynamic stability) performed at Invitae indicates that this missense variant is not expected to disrupt HCN4 protein function. In summary, the available evidence is currently insufficient to determine the role of this variant in disease. Therefore, it has been classified as a Variant of Uncertain Significance. This variant has not been reported in the literature in individuals affected with HCN4-related conditions. This variant is not present in population databases (gnomAD no frequency). This sequence change replaces proline, which is neutral and non-polar, with serine, which is neutral and polar, at codon 146 of the HCN4 protein (p.Pro146Ser).

NM_005477.3(HCN4):c.436C>T (p.Pro146Ser)

Gene: HCN4 (hyperpolarization activated cyclic nucleotide gated potassium channel 4; minus strand). Cytogenetic location: 15q24.1.
Variant type: single nucleotide variant.
Coding change: c.436C>T on transcript NM_005477.3 (MANE Select); coding-DNA position 436, C replaced by T.
Protein change: p.Pro146Ser; replaces proline 146 with serine.
Molecular consequence: missense variant.
Genome position (GRCh38, 1-based): chr15:73,367,835, G>A on the plus strand (C>T on the coding strand, the complement: HCN4 is on the minus strand). VCF-style: chr15-73367835-G-A. GRCh37 (hg19) VCF-style: chr15-73660176-G-A.
Other names: short protein forms P146S.
Identifiers: ClinVar variation 1970832 (VCV001970832.5), dbSNP rs2549080369, ClinGen allele CA393098025.